The following is an entry in ClinVar:

ClinVar aggregate classification (germline): Likely pathogenic (1 of 4 stars; one submission).

Conditions:
Hereditary nonpolyposis colorectal neoplasms. Identifiers: MedGen C0009405, MeSH D003123.

Submission:

Labcorp Genetics (formerly Invitae), Labcorp
Classification: Likely pathogenic for Hereditary nonpolyposis colorectal neoplasms. Last evaluated: 2024-08-13. Review status: criteria provided, single submitter. Criteria: Invitae Variant Classification Sherloc (09022015). Collection method: clinical testing. Allele origin: germline.
Comment: This variant results in the deletion of part of exon 4 (c.628-703_671del) of the MSH6 gene. It is expected to disrupt RNA splicing. Variants that disrupt the donor or acceptor splice site typically lead to a loss of protein function (PMID: 16199547), and loss-of-function variants in MSH6 are known to be pathogenic (PMID: 18269114, 24362816). This variant is not present in population databases (gnomAD no frequency). This variant has not been reported in the literature in individuals affected with MSH6-related conditions. In summary, the currently available evidence indicates that the variant is pathogenic, but additional data are needed to prove that conclusively. Therefore, this variant has been classified as Likely Pathogenic.

Literature cited by the submitters: PubMed 16199547; PubMed 18269114; PubMed 24362816.

NM_000179.3(MSH6):c.628-703_671del

Gene: MSH6 (mutS homolog 6; plus strand). Cytogenetic location: 2p16.3.
Variant type: Deletion.
Coding change: c.628-703_671del on transcript NM_000179.3 (MANE Select); 703 bases into the intron before coding-DNA position 628 through coding-DNA position 671, 747 bases deleted.
Molecular consequence: splice acceptor variant. On other transcripts: splice donor variant (1), intron variant (1).
Genome position (GRCh38, 1-based): chr2:47,797,908-47,798,654, 747 bases deleted. GRCh37 (hg19): chr2:48,025,047-48,025,793.
Other names: c.331-703_374del (NM_001406830.1, NM_001406797.1, NM_001406801.1 and 10 more transcripts); c.724-703_767del (NM_001406795.1, NM_001406802.1); c.634-703_677del (NM_001406813.1); c.103-703_146del (NM_001406807.1, NM_001406799.1, NM_001406806.1); c.-367-209_-236del (NM_001406814.1); c.628-703_671del (NM_001406808.1, NM_001406800.1, NM_001406798.1 and 4 more transcripts); c.627+1845_628-2012del (NM_001407362.1); c.-279-703_-236del (NM_001281493.2, NM_001406812.1, NM_001406816.1 and 4 more transcripts); and 4 more.
Identifiers: ClinVar variation 3645918 (VCV003645918.2).